The following is an entry in ClinVar:

NM_001754.5(RUNX1):c.702A>G (p.Thr234=)

Gene: RUNX1 (RUNX family transcription factor 1; minus strand). Cytogenetic location: 21q22.12.
Variant type: single nucleotide variant.
Coding change: c.702A>G on transcript NM_001754.5 (MANE Select); coding-DNA position 702, A replaced by G.
Protein change: p.Thr234=; no amino-acid change (threonine 234 retained).
Molecular consequence: synonymous variant.
Genome position (GRCh38, 1-based): chr21:34,834,513, T>C on the plus strand (A>G on the coding strand, the complement: RUNX1 is on the minus strand). VCF-style: chr21-34834513-T-C. GRCh37 (hg19) VCF-style: chr21-36206810-T-C.
Other names: NM_001754.5(RUNX1):c.702A>G; p.Thr234=; c.621A>G, p.Thr207= (NM_001001890.3, NM_001122607.2); c.702A>G (NM_001754.4).
Identifiers: ClinVar variation 1147528 (VCV001147528.11), dbSNP rs2146076013, ClinGen allele CA512318619.
Genomic context (GRCh38, chr21:34,834,513, plus strand): 5'-GTTCAGGGAGGCACGAGGGTTGGGCGTGGGGGCTGGGTGGTGTGGGCTGACCCTCATGGC[T>C]GTGCGCCGCAGCTGCTCCAGTTCACTGAGCCGCTCGGAAAAGGACAAGCTCCCGGGCTTG-3'
Protein context (NP_001745.2, residues 224-244): RLSELEQLRR[Thr234=]AMRVSPHHPA

ClinVar aggregate classification (germline): Likely benign. Review status: reviewed by expert panel (3 of 4 stars). 3 submissions from 3 submitters: Likely benign (1). 2 of the submissions do not count toward it. Last evaluated 2022-06-30.

Conditions:
Hereditary thrombocytopenia and hematological cancer predisposition syndrome associated with RUNX1. Also called: Familial Platelet Disorder with Propensity to Acute Myelogenous Leukemia; Familial thrombocytopenia with propensity to acute myelogenous leukemia; PLATELET DISORDER, ASPIRIN-LIKE; RUNX1 Familial Platelet Disorder with Associated Myeloid Malignancies. Identifiers: Orphanet 71290, MedGen C1832388, MeSH C563324, MONDO:0100083, OMIM 601399.
Hereditary thrombocytopenia and hematologic cancer predisposition syndrome. Identifiers: Orphanet 71290, MedGen CN281654, MONDO:0011071.
Inborn genetic diseases. Identifiers: MedGen C0950123, MeSH D030342.

Submissions (3):

ClinGen Myeloid Malignancy Variant Curation Expert Panel
Classification: Likely benign for Hereditary thrombocytopenia and hematologic cancer predisposition syndrome. Last evaluated: 2022-06-30. Review status: reviewed by expert panel. Criteria: ClinGen MyeloMalig ACMG Specifications v2. Collection method: curation. Allele origin: germline. Inheritance: Autosomal dominant inheritance.
Comment: The c.702A>G (p.Thr234=) variant is a synonymous variant that is not predicted by SpliceAI to impact splicing (BP4). In addition, an evolutionary conservation algorithm predicts the site as being non-conserved (PhyloP score = -0.138811 in GRCh38), and the variant is the reference nucleotide in one primate and/or three mammal species. Although the variant is absent from gnomAD v2 and v3 (PM2_Supporting), it has not been reported in cases or the literature. In summary, this variant meets the criteria to be classified as likely benign for hereditary thrombocytopenia and hematologic cancer predisposition syndrome based on the ACMG/AMP criteria applied, as specified by the ClinGen Myeloid Malignancy VCEP: BP4, BP7, and PM2_Supporting.

Ambry Genetics
Classification: Likely benign for Inborn genetic diseases. Last evaluated: 2025-08-30. Review status: criteria provided, single submitter. Criteria: Ambry Variant Classification Scheme 2023. Collection method: clinical testing. Allele origin: germline. Not counted in ClinVar's aggregate classification.

Labcorp Genetics (formerly Invitae), Labcorp
Classification: Likely benign for Hereditary thrombocytopenia and hematological cancer predisposition syndrome associated with RUNX1. Last evaluated: 2025-02-06. Review status: criteria provided, single submitter. Criteria: Invitae Variant Classification Sherloc (09022015). Collection method: clinical testing. Allele origin: germline. Not counted in ClinVar's aggregate classification.